The following is an entry in ClinVar:

NM_001999.4(FBN2):c.1812C>T (p.Ala604=)

Gene: FBN2 (fibrillin 2; minus strand). Cytogenetic location: 5q23.3.
Variant type: single nucleotide variant.
Coding change: c.1812C>T on transcript NM_001999.4 (MANE Select); coding-DNA position 1812, C replaced by T.
Protein change: p.Ala604=; no amino-acid change (alanine 604 retained).
Molecular consequence: synonymous variant.
Genome position (GRCh38, 1-based): chr5:128,377,789, G>A on the plus strand (C>T on the coding strand, the complement: FBN2 is on the minus strand). VCF-style: chr5-128377789-G-A. GRCh37 (hg19) VCF-style: chr5-127713482-G-A.
Identifiers: ClinVar variation 416911 (VCV000416911.20), dbSNP rs745811885, ClinGen allele CA3395719.
Genomic context (GRCh38, chr5:128,377,789, plus strand): 5'-AAGGGAGCAGGCAATTTCCATACCAACACAGTTTTTTCCATCTGTAGTTAATTCAAAGCC[G>A]GCATTGCAAATGCACTGGAAACTTCCATCTGTGTTCACGCATCGACCGTTTTTACAAAGA-3'
Protein context (NP_001990.2, residues 594-614): TDGSFQCICN[Ala604=]GFELTTDGKN

ClinVar aggregate classification (germline): Benign/Likely benign. Review status: criteria provided, multiple submitters, no conflicts (2 of 4 stars). 6 submissions from 6 submitters: Benign (1); Likely benign (4). 1 of the submissions does not count toward it. Last evaluated 2026-05-13.

Conditions:
FBN2-related disorder. Also called: FBN2-related condition.
Congenital contractural arachnodactyly (CCA). Also called: Beals-Hecht syndrome; BEALS SYNDROME; Arthrogryposis, distal, type 9. Identifiers: Orphanet 115, MedGen C0220668, MONDO:0007363, OMIM 121050.
Familial thoracic aortic aneurysm and aortic dissection (TAAD). Also called: Thoracic aortic aneurysms and dissections. Identifiers: Orphanet 91387, MedGen C4707243, MONDO:0019625.

Allele frequency attached by ClinVar (database versions not stated): gnomAD 0.00001; TOPMed 0.00009; gnomAD exomes 0.00010 and 0.00020; ExAC 0.00015.
gnomAD v4.1: 62 of 1,613,316 alleles (0.0038%); highest among the groups gnomAD compares: Admixed American, 0.09%; no homozygotes.

Submissions (6):

Women's Health and Genetics/Laboratory Corporation of America, LabCorp
Classification: Likely benign. Last evaluated: 2026-05-13. Review status: criteria provided, single submitter. Criteria: LabCorp Variant Classification Summary - May 2015. Collection method: clinical testing. Allele origin: germline.

Labcorp Genetics (formerly Invitae), Labcorp
Classification: Benign for Congenital contractural arachnodactyly. Last evaluated: 2025-12-27. Review status: criteria provided, single submitter. Criteria: Invitae Variant Classification Sherloc (09022015). Collection method: clinical testing. Allele origin: germline.

Blueprint Genetics
Classification: Likely benign. Last evaluated: 2023-04-21. Review status: criteria provided, single submitter. Criteria: ACMG Guidelines, 2015. Collection method: clinical testing. Allele origin: germline.

GeneDx
Classification: Likely benign. Last evaluated: 2021-03-01. Review status: criteria provided, single submitter. Criteria: GeneDx Variant Classification Process June 2021. Collection method: clinical testing. Allele origin: germline. Affected: yes.

Ambry Genetics
Classification: Likely benign for Familial thoracic aortic aneurysm and aortic dissection. Last evaluated: 2018-01-03. Review status: criteria provided, single submitter. Criteria: Ambry Variant Classification Scheme 2023. Collection method: clinical testing. Allele origin: germline.

PreventionGenetics, part of Exact Sciences
Classification: Likely benign for FBN2-related condition. Last evaluated: 2019-06-05. Review status: no assertion criteria provided. Collection method: clinical testing. Allele origin: germline. Not counted in ClinVar's aggregate classification.
Comment: This variant is classified as likely benign based on ACMG/AMP sequence variant interpretation guidelines (Richards et al. 2015 PMID: 25741868, with internal and published modifications).